The following is an entry in ClinVar:

ClinVar aggregate classification (germline): Conflicting classifications of pathogenicity. Review status: criteria provided, conflicting classifications (1 of 4 stars). 4 submissions from 4 submitters: Uncertain significance (3); Benign (1). Last evaluated 2025-11-24.

Allele frequency attached by ClinVar (database versions not stated): gnomAD exomes below 0.00001.
gnomAD v4.1: 1 of 1,246,028 alleles (0.00008%); highest among the groups gnomAD compares: Non-Finnish European, 0.0001%; no homozygotes.

Submissions (4):

Labcorp Genetics (formerly Invitae), Labcorp
Classification: Benign. Last evaluated: 2025-11-24. Review status: criteria provided, single submitter. Criteria: Invitae Variant Classification Sherloc (09022015). Collection method: clinical testing. Allele origin: germline.

Women's Health and Genetics/Laboratory Corporation of America, LabCorp
Classification: Uncertain significance. Last evaluated: 2024-12-31. Review status: criteria provided, single submitter. Criteria: LabCorp Variant Classification Summary - May 2015. Collection method: clinical testing. Allele origin: germline.
Comment: Variant summary: NR2F1 c.150C>G (p.His50Gln) results in a non-conservative amino acid change in the encoded protein sequence. Three of five in-silico tools predict a benign effect of the variant on protein function. The frequency data for this variant in gnomAD is considered unreliable, as metrics indicate poor data quality at this position. To our knowledge, no occurrence of c.150C>G in individuals affected with Bosch-Boonstra-Schaaf Optic Atrophy Syndrome and no experimental evidence demonstrating its impact on protein function have been reported. ClinVar contains an entry for this variant (Variation ID: 1683871). Based on the evidence outlined above, the variant was classified as uncertain significance.

Blueprint Genetics
Classification: Uncertain significance. Last evaluated: 2022-04-25. Review status: criteria provided, single submitter. Criteria: ACMG Guidelines, 2015. Collection method: clinical testing. Allele origin: germline.

GeneDx
Classification: Uncertain significance. Last evaluated: 2021-10-28. Review status: criteria provided, single submitter. Criteria: GeneDx Variant Classification Process June 2021. Collection method: clinical testing. Allele origin: germline. Affected: yes.
Comment: Has not been previously published as pathogenic or benign to our knowledge; Not observed at significant frequency in large population cohorts (gnomAD); In silico analysis supports that this missense variant does not alter protein structure/function

NM_005654.6(NR2F1):c.150C>G (p.His50Gln)

Genes: NR2F1-AS1 (NR2F1 regulatory antisense RNA 1; minus strand), NR2F1 (nuclear receptor subfamily 2 group F member 1; plus strand). Cytogenetic location: 5q15.
Variant type: single nucleotide variant.
Coding change: c.150C>G on transcript NM_005654.6 (MANE Select); coding-DNA position 150, C replaced by G.
Protein change: p.His50Gln; replaces histidine 50 with glutamine.
Molecular consequence: missense variant.
Genome position (GRCh38, 1-based): chr5:93,585,173, C>G. VCF-style: chr5-93585173-C-G. GRCh37 (hg19) VCF-style: chr5-92920879-C-G.
Other names: short protein forms H50Q.
Identifiers: ClinVar variation 1683871 (VCV001683871.9), dbSNP rs1272746750, ClinGen allele CA360525634.